The following is an entry in ClinVar:

ClinVar aggregate classification (germline): Conflicting classifications of pathogenicity. Review status: criteria provided, conflicting classifications (1 of 4 stars). 5 submissions from 4 submitters: Uncertain significance (4); Likely benign (1). Last evaluated 2024-11-22.

Conditions:
Hereditary cancer-predisposing syndrome. Also called: Hereditary Cancer Syndrome; Neoplastic Syndromes, Hereditary; Tumor predisposition; Hereditary neoplastic syndrome. Identifiers: Orphanet 140162, MedGen C0027672, MeSH D009386, MONDO:0015356.
Cardiovascular phenotype. Identifiers: MedGen CN230736.
Juvenile myelomonocytic leukemia (JMML). Also called: LEUKEMIA, JUVENILE MYELOMONOCYTIC, SOMATIC. Identifiers: Orphanet 86834, MedGen C0349639, MONDO:0011908, OMIM 607785, HP:0012209.
Café-au-lait macules with pulmonary stenosis (WTSN). Also called: PULMONIC STENOSIS WITH CAFE-AU-LAIT SPOTS. Identifiers: MedGen C0553586, MONDO:0008672, OMIM 193520.
Neurofibromatosis, type 1 (NF1). Also called: NEUROFIBROMATOSIS, TYPE I, SOMATIC; VON RECKLINGHAUSEN DISEASE; Peripheral type neurofibromatosis; Neurofibromatosis, type I. Identifiers: Orphanet 636, MedGen C0027831, MONDO:0018975, OMIM 162200. Disease mechanism: loss of function.
Neurofibromatosis-Noonan syndrome (NFNS). Also called: NEUROFIBROMATOSIS WITH NOONAN PHENOTYPE. Identifiers: Orphanet 638, MedGen C2931482, MONDO:0011035, OMIM 601321. Disease mechanism: loss of function.
Neurofibromatosis, familial spinal (FSNF). Identifiers: Orphanet 636, MedGen C1834235, MONDO:0008078, OMIM 162210. Disease mechanism: loss of function.

Allele frequency attached by ClinVar (database versions not stated): gnomAD exomes 0.00001 and 0.00002; ExAC 0.00002; ESP Exome Variant Server 0.00008.
gnomAD v4.1: 4 of 1,614,166 alleles (0.00025%); highest among the groups gnomAD compares: Non-Finnish European, 0.00034%; no homozygotes.

Submissions (5):

Labcorp Genetics (formerly Invitae), Labcorp
Classification: Likely benign for Neurofibromatosis, type 1. Last evaluated: 2024-11-22. Review status: criteria provided, single submitter. Criteria: Invitae Variant Classification Sherloc (09022015). Collection method: clinical testing. Allele origin: germline.

Ambry Genetics
Classification: Uncertain significance for Cardiovascular phenotype; Hereditary cancer-predisposing syndrome. Last evaluated: 2022-10-24. Review status: criteria provided, single submitter. Criteria: Ambry Variant Classification Scheme 2023. Collection method: clinical testing. Allele origin: germline.

Genome-Nilou Lab
Classification: Uncertain significance for Neurofibromatosis, type 1. Last evaluated: 2022-03-15. Review status: criteria provided, single submitter. Criteria: ACMG Guidelines, 2015. Collection method: clinical testing. Allele origin: germline. Affected: no.

Fulgent Genetics
Classification: Uncertain significance for Neurofibromatosis, type 1; Neurofibromatosis, familial spinal; Café-au-lait macules with pulmonary stenosis; Neurofibromatosis-Noonan syndrome; Juvenile myelomonocytic leukemia. Last evaluated: 2022-03-12. Review status: criteria provided, single submitter. Criteria: ACMG Guidelines, 2015. Collection method: clinical testing. Allele origin: unknown.

Ambry Genetics
Classification: Uncertain significance for Hereditary cancer-predisposing syndrome. Last evaluated: 2014-12-22. Review status: criteria provided, single submitter. Criteria: Ambry Autosomal Dominant and X-Linked criteria (10/2015). Collection method: clinical testing. Allele origin: germline. Observed: 1 variant allele.
Comment: The p.V1794A variant (also known as c.5381T>C), located in coding exon 38 of the NF1 gene, results from a T to C substitution at nucleotide position 5381. The valine at codon 1794 is replaced by alanine, an amino acid with similar properties. This variant was previously reported in the SNPDatabase as rs142867979. Based on data from the NHLBI Exome Sequencing Project (ESP), the C allele has an overall frequency of approximately 0.01% (1/13006) total alleles studied and 0.01% (1/8600) European American alleles. To date, this alteration has been detected with an allele frequency of approximately 0.003% (greater than 30000 alleles tested) in our clinical cohort. This amino acid position is highly conserved in available vertebrate species. In addition, this alteration is predicted to be deleterious by in silico analysis. Since supporting evidence is limited at this time, the clinical significance of p.V1794A remains unclear.

NM_001042492.3(NF1):c.5381T>C (p.Val1794Ala)

Gene: NF1 (neurofibromin 1; plus strand). Cytogenetic location: 17q11.2.
Variant type: single nucleotide variant.
Coding change: c.5381T>C on transcript NM_001042492.3 (MANE Select); coding-DNA position 5381, T replaced by C.
Protein change: p.Val1794Ala; replaces valine 1794 with alanine.
Molecular consequence: missense variant.
Genome position (GRCh38, 1-based): chr17:31,327,611, T>C. VCF-style: chr17-31327611-T-C. GRCh37 (hg19) VCF-style: chr17-29654629-T-C.
Other names: c.5318T>C, p.Val1773Ala (NM_000267.4); short protein forms V1773A, V1794A.
Identifiers: ClinVar variation 187517 (VCV000187517.13), dbSNP rs142867979, ClinGen allele CA197853.
Genomic context (GRCh38, chr17:31,327,611, plus strand): 5'-GGCAATCAGTCTTTCTAAATGACATTTATTATGCTTCGGAAATTGAAGAAATCTGCCTAG[T>C]AGATGAGAACCAGTTCACCTTAACCATTGCAAACCAGGGCACGCCGCTCACCTTCATGCA-3'
Protein context (NP_001035957.1, residues 1784-1804): YASEIEEICL[Val1794Ala]DENQFTLTIA